The following is an entry in ClinVar:

ClinVar aggregate classification (germline): Benign (0 of 4 stars; one submission).

Conditions:
DMXL1-related disorder. Also called: DMXL1-related condition.

Allele frequency attached by ClinVar (database versions not stated): ESP Exome Variant Server 0.00369; 1000 Genomes Project 30x 0.02998; 1000 Genomes Project 0.03175.
gnomAD v4.1: 11,639 of 1,614,118 alleles (0.72%); highest among the groups gnomAD compares: East Asian, 11%; 396 homozygotes.

Submission:

PreventionGenetics, part of Exact Sciences
Classification: Benign for DMXL1-related condition. Last evaluated: 2019-12-09. Review status: no assertion criteria provided. Collection method: clinical testing. Allele origin: germline.
Comment: This variant is classified as benign based on ACMG/AMP sequence variant interpretation guidelines (Richards et al. 2015 PMID: 25741868, with internal and published modifications).

NM_001290321.3(DMXL1):c.7593A>G (p.Gln2531=)

Gene: DMXL1 (Dmx like 1; plus strand). Cytogenetic location: 5q23.1.
Variant type: single nucleotide variant.
Coding change: c.7593A>G on transcript NM_001290321.3 (MANE Select); coding-DNA position 7593, A replaced by G.
Protein change: p.Gln2531=; no amino-acid change (glutamine 2531 retained).
Molecular consequence: synonymous variant. On other transcripts: non-coding transcript variant (3).
Genome position (GRCh38, 1-based): chr5:119,197,804, A>G. VCF-style: chr5-119197804-A-G. GRCh37 (hg19) VCF-style: chr5-118533499-A-G.
Other names: c.7593A>G, p.Gln2531= (NM_001349239.2, NM_001349240.2, NM_001387933.1 and 1 more transcripts); c.7401A>G, p.Gln2467= (NM_001387934.1); c.6888A>G, p.Gln2296= (NM_001387937.1); c.6606A>G, p.Gln2202= (NM_001387938.1).
Identifiers: ClinVar variation 3059527 (VCV003059527.2), dbSNP rs17144974, ClinGen allele CA3380933.
Genomic context (GRCh38, chr5:119,197,804, plus strand): 5'-TCCCATTTTAGAGCTTCCAGTTAGTTCACCTCTTTGTCATGCGGTTCTAAAAACTCTTCA[A>G]TGTTGGGAACAAGTTCTTCTCCGACGACTTGAAATCCATGGTGGGCCACCTCAAAATTAT-3'
Protein context (NP_001277250.1, residues 2521-2541): PLCHAVLKTL[Gln2531=]CWEQVLLRRL